The following is an entry in ClinVar:

ClinVar aggregate classification (germline): Uncertain significance (1 of 4 stars; one submission).

Submission:

Labcorp Genetics (formerly Invitae), Labcorp
Classification: Uncertain significance. Last evaluated: 2024-02-17. Review status: criteria provided, single submitter. Criteria: Invitae Variant Classification Sherloc (09022015). Collection method: clinical testing. Allele origin: germline.
Comment: This sequence change replaces asparagine, which is neutral and polar, with histidine, which is basic and polar, at codon 706 of the HPS4 protein (p.Asn706His). This variant is not present in population databases (gnomAD no frequency). This variant has not been reported in the literature in individuals affected with HPS4-related conditions. ClinVar contains an entry for this variant (Variation ID: 1713506). An algorithm developed to predict the effect of missense changes on protein structure and function (PolyPhen-2) suggests that this variant is likely to be disruptive. In summary, the available evidence is currently insufficient to determine the role of this variant in disease. Therefore, it has been classified as a Variant of Uncertain Significance.

NM_022081.6(HPS4):c.2116A>C (p.Asn706His)

Gene: HPS4 (HPS4 biogenesis of lysosomal organelles complex 3 subunit 2; minus strand). Cytogenetic location: 22q12.1.
Variant type: single nucleotide variant.
Coding change: c.2116A>C on transcript NM_022081.6 (MANE Select); coding-DNA position 2116, A replaced by C.
Protein change: p.Asn706His; replaces asparagine 706 with histidine.
Molecular consequence: missense variant. On other transcripts: non-coding transcript variant (8), intron variant (2).
Genome position (GRCh38, 1-based): chr22:26,453,244, T>G on the plus strand (A>C on the coding strand, the complement: HPS4 is on the minus strand). VCF-style: chr22-26453244-T-G. GRCh37 (hg19) VCF-style: chr22-26849210-T-G.
Other names: c.2116A>C, p.Asn706His (NM_001349896.1, NM_001349898.2, NM_001349899.2); c.2170A>C, p.Asn724His (NM_001349900.2, NM_001349901.1); c.1874A>C, p.Glu625Ala (NM_001349902.1, NM_001349903.2); c.*641A>C (NM_001410832.1); c.2101A>C, p.Asn701His (NM_152841.2); c.1955+4615A>C (NM_001349905.1, NM_001349904.2); short protein forms E625A, N701H, N706H, N724H.
Identifiers: ClinVar variation 1713506 (VCV001713506.5), dbSNP rs2517923426, ClinGen allele CA411022666.